The following is an entry in ClinVar:

ClinVar aggregate classification (germline): Likely pathogenic (1 of 4 stars; one submission).

Conditions:
Tyrosinase-positive oculocutaneous albinism (OCA2). Also called: Oculocutaneous albinism type 2; Albinism, oculocutaneous, type II; ALBINISM II. Identifiers: Orphanet 79432, MedGen C0268495, MONDO:0008746, OMIM 203200.

Submission:

Myriad Genetics, Inc.
Classification: Likely pathogenic for Tyrosinase-positive oculocutaneous albinism. Last evaluated: 2025-09-05. Review status: criteria provided, single submitter. Criteria: Myriad Autosomal Dominant, Autosomal Recessive and X-Linked Classification Criteria (2023). Collection method: clinical testing. Allele origin: unknown.
Comment: NM_000275.2(OCA2):c.2180T>C(L727P) is a missense variant classified as likely pathogenic in the context of oculocutaneous albinism, OCA2-related. L727P has been observed in cases with relevant disease (PMID: 34707637, 31229681, 31196117, 19060277, 19865097, 35923705, 39636647). Relevant functional assessments of this variant are not available in the literature. L727P has not been observed in referenced population frequency databases. In summary, NM_000275.2(OCA2):c.2180T>C(L727P) is a missense variant that has been observed more frequently in cases with the relevant disease than in healthy populations. Please note: this variant was assessed in the context of healthy population screening.

Literature cited by the submitters: PubMed 19060277; PubMed 19865097; PubMed 31196117; PubMed 31229681; PubMed 34707637; PubMed 35923705; PubMed 39636647.

NM_000275.3(OCA2):c.2180T>C (p.Leu727Pro)

Gene: OCA2 (OCA2 melanosomal transmembrane protein; minus strand). Cytogenetic location: 15q13.1.
Variant type: single nucleotide variant.
Coding change: c.2180T>C on transcript NM_000275.3 (MANE Select); coding-DNA position 2180, T replaced by C.
Protein change: p.Leu727Pro; replaces leucine 727 with proline.
Molecular consequence: missense variant.
Genome position (GRCh38, 1-based): chr15:27,871,218, A>G on the plus strand (T>C on the coding strand, the complement: OCA2 is on the minus strand). VCF-style: chr15-27871218-A-G. GRCh37 (hg19) VCF-style: chr15-28116364-A-G.
Other names: c.2108T>C, p.Leu703Pro (NM_001300984.2); short protein forms L703P, L727P.
Identifiers: ClinVar variation 5004152 (VCV005004152.1).